The following is an entry in ClinVar:

ClinVar aggregate classification (germline): Uncertain significance (0 of 4 stars; one submission).

Submission:

Martin Pollak Laboratory,  Beth Israel Deaconess Medical Center
Classification: Uncertain significance. Review status: no assertion criteria provided. Collection method: not provided. Allele origin: unknown.
Comment: Higher UCa2+ group
ClinVar note: Converted during submission from unknown to Uncertain significance.

NM_199328.3(CLDN8):c.162C>A (p.Cys54Ter)

Gene: CLDN8 (claudin 8; minus strand). Cytogenetic location: 21q22.11.
Variant type: single nucleotide variant.
Coding change: c.162C>A on transcript NM_199328.3 (MANE Select); coding-DNA position 162, C replaced by A.
Protein change: p.Cys54Ter; replaces cysteine 54 with a stop codon.
Molecular consequence: nonsense.
Genome position (GRCh38, 1-based): chr21:30,215,764, G>T on the plus strand (C>A on the coding strand, the complement: CLDN8 is on the minus strand). VCF-style: chr21-30215764-G-T. GRCh37 (hg19) VCF-style: chr21-31588082-G-T.
Other names: short protein forms C54*.
Identifiers: ClinVar variation 64605 (VCV000064605.2), dbSNP rs387907424, ClinGen allele CA216496.
Genomic context (GRCh38, chr21:30,215,764, plus strand): 5'-AGAAAGAGCCAGCAGGGAATCATAGATTTTGCACTGCATCCTGATGTTAGCCTGCCTCAC[G>T]CAATTCATCCACAGTCCTTCCCAGAAGTTTTCAAAAACCACGATGTTGTTTTCAATGAAG-3'